The following is an entry in ClinVar:

NM_002764.4(PRPS1):c.785A>G (p.Asn262Ser)

Gene: PRPS1 (phosphoribosyl pyrophosphate synthetase 1; plus strand). Cytogenetic location: Xq22.3.
Variant type: single nucleotide variant.
Coding change: c.785A>G on transcript NM_002764.4 (MANE Select); coding-DNA position 785, A replaced by G.
Protein change: p.Asn262Ser; replaces asparagine 262 with serine.
Molecular consequence: missense variant.
Genome position (GRCh38, 1-based): chrX:107,647,686, A>G. VCF-style: chrX-107647686-A-G. GRCh37 (hg19) VCF-style: chrX-106890916-A-G.
Other names: c.173A>G, p.Asn58Ser (NM_001204402.2); short protein forms N58S, N262S.
Identifiers: ClinVar variation 2092217 (VCV002092217.4), dbSNP rs921320056, ClinGen allele CA333060237.
Genomic context (GRCh38, chrX:107,647,686, plus strand): 5'-CCAGAGTTTATGCCATCTTGACTCATGGAATCTTCTCCGGTCCTGCTATTTCTCGCATCA[A>G]CAACGCATGCTTTGAGGCAGTAGTAGTCACCAATACCATACCTCAGGAGGACAAGATGAA-3'
Protein context (NP_002755.1, residues 252-272): IFSGPAISRI[Asn262Ser]NACFEAVVVT

ClinVar aggregate classification (germline): Uncertain significance (1 of 4 stars; one submission).

Conditions:
Charcot-Marie-Tooth Neuropathy X. Identifiers: MedGen CN118851.

Submission:

Labcorp Genetics (formerly Invitae), Labcorp
Classification: Uncertain significance for Charcot-Marie-Tooth Neuropathy X. Last evaluated: 2022-07-26. Review status: criteria provided, single submitter. Criteria: Invitae Variant Classification Sherloc (09022015). Collection method: clinical testing. Allele origin: germline.
Comment: This variant has not been reported in the literature in individuals affected with PRPS1-related conditions. In summary, the available evidence is currently insufficient to determine the role of this variant in disease. Therefore, it has been classified as a Variant of Uncertain Significance. Algorithms developed to predict the effect of sequence changes on RNA splicing suggest that this variant may create or strengthen a splice site. Algorithms developed to predict the effect of missense changes on protein structure and function are either unavailable or do not agree on the potential impact of this missense change (SIFT: "Deleterious"; PolyPhen-2: "Benign"; Align-GVGD: "Class C0"). This variant is not present in population databases (gnomAD no frequency). This sequence change replaces asparagine, which is neutral and polar, with serine, which is neutral and polar, at codon 262 of the PRPS1 protein (p.Asn262Ser).